The following is an entry in ClinVar:

ClinVar aggregate classification (germline): Uncertain significance. Review status: criteria provided, multiple submitters, no conflicts (2 of 4 stars). 2 submissions from 2 submitters: Uncertain significance (2). Last evaluated 2025-04-13.

Conditions:
Long QT syndrome (LQTS). Identifiers: MedGen C0023976, MeSH D008133, MONDO:0002442. Disease mechanism: loss of function. Inheritance: Various modes of inheritance.
Cardiovascular phenotype. Identifiers: MedGen CN230736.

Allele frequency attached by ClinVar (database versions not stated): gnomAD 0.00001; TOPMed 0.00001.
gnomAD v4.1: 1 of 1,613,756 alleles (0.000062%); highest among the groups gnomAD compares: African/African-American, 0.0013%; no homozygotes.

Submissions (2):

Ambry Genetics
Classification: Uncertain significance for Cardiovascular phenotype. Last evaluated: 2025-04-13. Review status: criteria provided, single submitter. Criteria: Ambry Variant Classification Scheme 2023. Collection method: clinical testing. Allele origin: germline.
Comment: The p.I2294V variant (also known as c.6880A>G), located in coding exon 30 of the AKAP9 gene, results from an A to G substitution at nucleotide position 6880. The isoleucine at codon 2294 is replaced by valine, an amino acid with highly similar properties. This amino acid position is conserved. In addition, this alteration is predicted to be tolerated by in silico analysis. Since supporting evidence is limited at this time, the clinical significance of this alteration remains unclear.

Labcorp Genetics (formerly Invitae), Labcorp
Classification: Uncertain significance for Long QT syndrome. Last evaluated: 2022-01-17. Review status: criteria provided, single submitter. Criteria: Invitae Variant Classification Sherloc (09022015). Collection method: clinical testing. Allele origin: germline.
Comment: This variant has not been reported in the literature in individuals affected with AKAP9-related conditions. This variant is not present in population databases (gnomAD no frequency). This sequence change replaces isoleucine, which is neutral and non-polar, with valine, which is neutral and non-polar, at codon 2294 of the AKAP9 protein (p.Ile2294Val). Algorithms developed to predict the effect of missense changes on protein structure and function are either unavailable or do not agree on the potential impact of this missense change (SIFT: "Deleterious"; PolyPhen-2: "Possibly Damaging"; Align-GVGD: "Class C0"). In summary, the available evidence is currently insufficient to determine the role of this variant in disease. Therefore, it has been classified as a Variant of Uncertain Significance.

NM_005751.5(AKAP9):c.6880A>G (p.Ile2294Val)

Gene: AKAP9 (A-kinase anchoring protein 9; plus strand). Cytogenetic location: 7q21.2.
Variant type: single nucleotide variant.
Coding change: c.6880A>G on transcript NM_005751.5 (MANE Select); coding-DNA position 6880, A replaced by G.
Protein change: p.Ile2294Val; replaces isoleucine 2294 with valine.
Molecular consequence: missense variant.
Genome position (GRCh38, 1-based): chr7:92,077,810, A>G. VCF-style: chr7-92077810-A-G. GRCh37 (hg19) VCF-style: chr7-91707124-A-G.
Other names: c.1525A>G, p.Ile509Val (NM_001379277.1); c.6856A>G, p.Ile2286Val (NM_147185.3); short protein forms I2286V, I2294V, I509V.
Identifiers: ClinVar variation 1755948 (VCV001755948.8), dbSNP rs1263767103, ClinGen allele CA368133796.